The following is an entry in ClinVar:

ClinVar aggregate classification (germline): Pathogenic (1 of 4 stars; one submission).

Submission:

Labcorp Genetics (formerly Invitae), Labcorp
Classification: Pathogenic. Last evaluated: 2022-03-26. Review status: criteria provided, single submitter. Criteria: Invitae Variant Classification Sherloc (09022015). Collection method: clinical testing. Allele origin: germline.
Comment: This variant has not been reported in the literature in individuals affected with LAMB3-related conditions. For these reasons, this variant has been classified as Pathogenic. This variant is not present in population databases (gnomAD no frequency). This sequence change creates a premature translational stop signal (p.Lys1027*) in the LAMB3 gene. It is expected to result in an absent or disrupted protein product. Loss-of-function variants in LAMB3 are known to be pathogenic (PMID: 11023379, 16473856).

Literature cited by the submitters: PubMed 11023379; PubMed 16473856.

NM_000228.3(LAMB3):c.3079A>T (p.Lys1027Ter)

Gene: LAMB3 (laminin subunit beta 3; minus strand). Cytogenetic location: 1q32.2.
Variant type: single nucleotide variant.
Coding change: c.3079A>T on transcript NM_000228.3 (MANE Select); coding-DNA position 3079, A replaced by T.
Protein change: p.Lys1027Ter; replaces lysine 1027 with a stop codon.
Molecular consequence: nonsense.
Genome position (GRCh38, 1-based): chr1:209,617,559, T>A on the plus strand (A>T on the coding strand, the complement: LAMB3 is on the minus strand). VCF-style: chr1-209617559-T-A. GRCh37 (hg19) VCF-style: chr1-209790904-T-A.
Other names: c.3079A>T, p.Lys1027Ter (NM_001017402.2, NM_001127641.1); short protein forms K1027*.
Identifiers: ClinVar variation 1385498 (VCV001385498.6), dbSNP rs2102405073, ClinGen allele CA344584354.